The following is an entry in ClinVar:

NM_001999.4(FBN2):c.5568T>A (p.Asn1856Lys)

Gene: FBN2 (fibrillin 2; minus strand). Cytogenetic location: 5q23.3.
Variant type: single nucleotide variant.
Coding change: c.5568T>A on transcript NM_001999.4 (MANE Select); coding-DNA position 5568, T replaced by A.
Protein change: p.Asn1856Lys; replaces asparagine 1856 with lysine.
Molecular consequence: missense variant.
Genome position (GRCh38, 1-based): chr5:128,305,617, A>T on the plus strand (T>A on the coding strand, the complement: FBN2 is on the minus strand). VCF-style: chr5-128305617-A-T. GRCh37 (hg19) VCF-style: chr5-127641309-A-T.
Other names: short protein forms N1856K.
Identifiers: ClinVar variation 451922 (VCV000451922.8), dbSNP rs1201284691, ClinGen allele CA360740618.

ClinVar aggregate classification (germline): Uncertain significance. Review status: criteria provided, multiple submitters, no conflicts (2 of 4 stars). 4 submissions from 4 submitters: Uncertain significance (4). Last evaluated 2025-12-28.

Conditions:
Familial thoracic aortic aneurysm and aortic dissection (TAAD). Also called: Thoracic aortic aneurysms and dissections. Identifiers: Orphanet 91387, MedGen C4707243, MONDO:0019625.
Congenital contractural arachnodactyly (CCA). Also called: Arthrogryposis, distal, type 9; BEALS SYNDROME; Beals-Hecht syndrome. Identifiers: Orphanet 115, MedGen C0220668, MONDO:0007363, OMIM 121050.

Allele frequency attached by ClinVar (database versions not stated): TOPMed 0.00002.
gnomAD v4.1: 5 of 1,613,912 alleles (0.00031%); highest among the groups gnomAD compares: Non-Finnish European, 0.00042%; no homozygotes.

Submissions (4):

Labcorp Genetics (formerly Invitae), Labcorp
Classification: Uncertain significance for Congenital contractural arachnodactyly. Last evaluated: 2025-12-28. Review status: criteria provided, single submitter. Criteria: Invitae Variant Classification Sherloc (09022015). Collection method: clinical testing. Allele origin: germline.
Comment: This sequence change replaces asparagine, which is neutral and polar, with lysine, which is basic and polar, at codon 1856 of the FBN2 protein (p.Asn1856Lys). This variant is present in population databases (no rsID available, gnomAD 0.0009%). This variant has not been reported in the literature in individuals affected with FBN2-related conditions. ClinVar contains an entry for this variant (Variation ID: 451922). Invitae Evidence Modeling of protein sequence and biophysical properties (such as structural, functional, and spatial information, amino acid conservation, physicochemical variation, residue mobility, and thermodynamic stability) indicates that this missense variant is not expected to disrupt FBN2 protein function with a negative predictive value of 80%. In summary, the available evidence is currently insufficient to determine the role of this variant in disease. Therefore, it has been classified as a Variant of Uncertain Significance.

Ambry Genetics
Classification: Uncertain significance for Familial thoracic aortic aneurysm and aortic dissection. Last evaluated: 2022-12-15. Review status: criteria provided, single submitter. Criteria: Ambry Variant Classification Scheme 2023. Collection method: clinical testing. Allele origin: germline.
Comment: The p.N1856K variant (also known as c.5568T>A), located in coding exon 44 of the FBN2 gene, results from a T to A substitution at nucleotide position 5568. The asparagine at codon 1856 is replaced by lysine, an amino acid with similar properties. This amino acid position is well conserved in available vertebrate species. In addition, this alteration is predicted to be tolerated by in silico analysis. Since supporting evidence is limited at this time, the clinical significance of this alteration remains unclear.

Blueprint Genetics
Classification: Uncertain significance. Last evaluated: 2021-09-03. Review status: criteria provided, single submitter. Criteria: ACMG Guidelines, 2015. Collection method: clinical testing. Allele origin: germline.

GeneDx
Classification: Uncertain significance. Last evaluated: 2017-09-08. Review status: criteria provided, single submitter. Criteria: GeneDx Variant Classification (06012015). Collection method: clinical testing. Allele origin: germline. Affected: yes.
Comment: A variant of uncertain significance has been identified in the FBN2 gene. The N1856K variant has not been published as pathogenic or been reported as benign to our knowledge. The N1856K variant is not observed in large population cohorts (Lek et al., 2016; 1000 Genomes Consortium et al., 2015; Exome Variant Server). The N1856K variant is a semi-conservative amino acid substitution, which may impact secondary protein structure as these residues differ in some properties. This substitution occurs at a position where amino acids with similar properties to asparagine (N) are tolerated across species. Consequently, in silico analysis is inconsistent in its predictions as to whether or not the variant is damaging to the protein structure/function. Lastly, although the N1856K variant is within a calcium-binding EGF-like domain of the FBN2 gene, it does not affect a cysteine residue. Cysteine substitutions in the calcium-binding EGF-like domains represent the majority of pathogenic missense changes associated with FBN2-related disorders (FrÃ©dÃ©ric et al., 2009).